The following is an entry in ClinVar:

NM_000554.6(CRX):c.253-8T>G

Gene: CRX (cone-rod homeobox; plus strand). Cytogenetic location: 19q13.33.
Variant type: single nucleotide variant.
Coding change: c.253-8T>G on transcript NM_000554.6 (MANE Select); 8 bases into the intron before coding-DNA position 253, T replaced by G.
Molecular consequence: intron variant.
Genome position (GRCh38, 1-based): chr19:47,839,312, T>G. VCF-style: chr19-47839312-T-G. GRCh37 (hg19) VCF-style: chr19-48342569-T-G.
Identifiers: ClinVar variation 3754727 (VCV003754727.2).

ClinVar aggregate classification (germline): Uncertain significance (1 of 4 stars; one submission).

Conditions:
Cone-rod dystrophy 2 (CORD2). Also called: CONE-ROD RETINAL DYSTROPHY; Cone-rod retinal dystrophy 2. Identifiers: Orphanet 1872, MedGen C3489532, MONDO:0007362, OMIM 120970.
Leber congenital amaurosis 7 (LCA7). Identifiers: Orphanet 65, MedGen C3151192, MONDO:0013449, OMIM 613829.

gnomAD v4.1: 1 of 1,612,584 alleles (0.000062%); highest among the groups gnomAD compares: East Asian, 0.0022%; no homozygotes.

Submission:

Labcorp Genetics (formerly Invitae), Labcorp
Classification: Uncertain significance for Cone-rod dystrophy 2; Leber congenital amaurosis 7. Last evaluated: 2024-02-24. Review status: criteria provided, single submitter. Criteria: Invitae Variant Classification Sherloc (09022015). Collection method: clinical testing. Allele origin: germline.
Comment: This sequence change falls in intron 3 of the CRX gene. It does not directly change the encoded amino acid sequence of the CRX protein. This variant is present in population databases (no rsID available, gnomAD 0.006%). This variant has not been reported in the literature in individuals affected with CRX-related conditions. Algorithms developed to predict the effect of sequence changes on RNA splicing suggest that this variant may disrupt the consensus splice site. In summary, the available evidence is currently insufficient to determine the role of this variant in disease. Therefore, it has been classified as a Variant of Uncertain Significance.